The following is an entry in ClinVar:

NM_001365088.1(SLC12A6):c.2745G>T (p.Trp915Cys)

Gene: SLC12A6 (solute carrier family 12 member 6; minus strand). Cytogenetic location: 15q14.
Variant type: single nucleotide variant.
Coding change: c.2745G>T on transcript NM_001365088.1 (MANE Select); coding-DNA position 2745, G replaced by T.
Protein change: p.Trp915Cys; replaces tryptophan 915 with cysteine.
Molecular consequence: missense variant.
Genome position (GRCh38, 1-based): chr15:34,238,289, C>A on the plus strand (G>T on the coding strand, the complement: SLC12A6 is on the minus strand). VCF-style: chr15-34238289-C-A. GRCh37 (hg19) VCF-style: chr15-34530490-C-A.
Other names: c.2745G>T, p.Trp915Cys (NM_133647.2); c.2568G>T, p.Trp856Cys (NM_001042494.2, NM_001042495.2); c.2718G>T, p.Trp906Cys (NM_001042496.2); c.2700G>T, p.Trp900Cys (NM_001042497.2); c.2592G>T, p.Trp864Cys (NM_005135.2); short protein forms W856C, W864C, W915C, W900C, W906C.
Identifiers: ClinVar variation 2834506 (VCV002834506.4), dbSNP rs2509753111, ClinGen allele CA391618829.

ClinVar aggregate classification (germline): Uncertain significance. Review status: criteria provided, single submitter (1 of 4 stars). 2 submissions from 2 submitters: Uncertain significance (1). 1 of the submissions does not count toward it. Last evaluated 2023-06-15.

Conditions:
Agenesis of the corpus callosum with peripheral neuropathy (ACCPN). Also called: CHARLEVOIX DISEASE; POLYNEUROPATHY, SENSORIMOTOR, WITH OR WITHOUT AGENESIS OF THE CORPUS CALLOSUM; HMSN/ACC; Hereditary Motor and Sensory Neuropathy with Agenesis of the Corpus Callosum. Identifiers: Orphanet 1496, MedGen C0795950, MONDO:0000902, OMIM 218000. Disease mechanism: loss of function.

Allele frequency attached by ClinVar (database versions not stated): gnomAD exomes below 0.00001.
gnomAD v4.1: 1 of 1,613,636 alleles (0.000062%); highest among the groups gnomAD compares: Non-Finnish European, 0.000085%; no homozygotes.

Submissions (2):

Labcorp Genetics (formerly Invitae), Labcorp
Classification: Uncertain significance. Last evaluated: 2023-06-15. Review status: criteria provided, single submitter. Criteria: Invitae Variant Classification Sherloc (09022015). Collection method: clinical testing. Allele origin: germline.
Comment: This sequence change replaces tryptophan, which is neutral and slightly polar, with cysteine, which is neutral and slightly polar, at codon 915 of the SLC12A6 protein (p.Trp915Cys). This variant is not present in population databases (gnomAD no frequency). This variant has not been reported in the literature in individuals affected with SLC12A6-related conditions. In summary, the available evidence is currently insufficient to determine the role of this variant in disease. Therefore, it has been classified as a Variant of Uncertain Significance. Advanced modeling of protein sequence and biophysical properties (such as structural, functional, and spatial information, amino acid conservation, physicochemical variation, residue mobility, and thermodynamic stability) has been performed at Invitae for this missense variant, however the output from this modeling did not meet the statistical confidence thresholds required to predict the impact of this variant on SLC12A6 protein function.

Natera, Inc.
Classification: Uncertain significance for Andermann syndrome. Last evaluated: 2025-03-16. Review status: no assertion criteria provided. Collection method: clinical testing. Allele origin: germline. Not counted in ClinVar's aggregate classification.